The following is an entry in ClinVar:

NM_004360.5(CDH1):c.416del (p.Leu139fs)

Gene: CDH1 (cadherin 1; plus strand). Cytogenetic location: 16q22.1.
Variant type: Deletion.
Coding change: c.416del on transcript NM_004360.5 (MANE Select); coding-DNA position 416, one base deleted (T; older notation c.416delT).
Protein change: p.Leu139fs; shifts the reading frame from leucine 139.
Molecular consequence: frameshift variant. On other transcripts: 5 prime UTR variant (2).
Genome position (GRCh38, 1-based): chr16:68,808,452, T deleted; the last of 2 consecutive T bases (chr16:68,808,451-68,808,452); deleting either gives the same sequence. VCF-style (leftmost placement, unchanged base first): chr16-68808450-AT-A. GRCh37 (hg19) VCF-style: chr16-68842353-AT-A.
Other names: c.416del, p.Leu139fs (NM_001317184.2); c.-1200del (NM_001317185.2); c.-1404del (NM_001317186.2); short protein forms L139fs.
Identifiers: ClinVar variation 2503037 (VCV002503037.2), dbSNP rs2543914437, ClinGen allele CA2580612833.

ClinVar aggregate classification (germline): Pathogenic. Review status: criteria provided, multiple submitters, no conflicts (2 of 4 stars). 2 submissions from 2 submitters: Pathogenic (2). Last evaluated 2026-08-18.

Conditions:
Hereditary diffuse gastric adenocarcinoma (HDGC). Also called: DIFFUSE GASTRIC AND LOBULAR BREAST CANCER SYNDROME. Identifiers: Orphanet 26106, MedGen C1708349, MONDO:0007648, OMIM 137215.

Submissions (2):

Myriad Genetics, Inc.
Classification: Pathogenic for Hereditary diffuse gastric adenocarcinoma. Last evaluated: 2026-08-18. Review status: criteria provided, single submitter. Criteria: Myriad Autosomal Dominant, Autosomal Recessive and X-Linked Classification Criteria (2023). Collection method: clinical testing. Allele origin: unknown.
Comment: This variant is considered pathogenic. This variant creates a frameshift predicted to result in premature protein truncation.

European Reference Network on Genetic Tumour Risk Syndromes (ERN-GENTURIS), i3s - Instituto de Investigação e Inovação em Saúde, University of Porto
Classification: Pathogenic for Hereditary diffuse gastric adenocarcinoma. Last evaluated: 2022-08-01. Review status: criteria provided, single submitter. Criteria: Lee et al. (Hum Mutat. 2018). Collection method: clinical testing. Allele origin: germline. Inheritance: Autosomal dominant inheritance. Affected: yes. Study: ERN GENTURIS.
Comment: PVS1; PS4_Supporting; PM2 (PMID: 30311375)

Literature cited by the submitters: PubMed 36436516 (cited by European Reference Network on Genetic Tumour Risk Syndromes (ERN-GENTURIS), i3s - Instituto de Investigação e Inovação em Saúde, University of Porto).